The following is an entry in ClinVar:

ClinVar aggregate classification (germline): Pathogenic (1 of 4 stars; one submission).

Conditions:
KBG syndrome (KBGS). Also called: ANKRD11-Related KBG Syndrome. Identifiers: Orphanet 2332, MedGen C0220687, MONDO:0007846, OMIM 148050.

Submission:

Institute of Human Genetics, University of Leipzig Medical Center
Classification: Pathogenic for KBG syndrome. Last evaluated: 2025-09-10. Review status: criteria provided, single submitter. Criteria: ACMG Guidelines, 2015. Collection method: clinical testing. Allele origin: unknown. Inheritance: Autosomal dominant inheritance. Affected: yes.
Comment: Criteria applied: PVS1,PM2

NM_013275.6(ANKRD11):c.4917dup (p.Lys1640Ter)

Gene: ANKRD11 (ankyrin repeat domain 11; minus strand). Cytogenetic location: 16q24.3.
Variant type: Duplication.
Coding change: c.4917dup on transcript NM_013275.6 (MANE Select); coding-DNA position 4917, one base duplicated (T; older notation c.4917dupT).
Protein change: p.Lys1640Ter; replaces lysine 1640 with a stop codon.
Molecular consequence: nonsense.
Genome position (GRCh38, 1-based): chr16:89,281,625, A duplicated on the plus strand (T on the coding strand, the reverse complement: ANKRD11 is on the minus strand). VCF-style (leftmost placement, unchanged base first): chr16-89281624-T-TA. GRCh37 (hg19) VCF-style: chr16-89348032-T-TA.
Other names: c.4917dup, p.Lys1640Ter (NM_001256182.2, NM_001256183.2); short protein forms K1640*.
Identifiers: ClinVar variation 4291109 (VCV004291109.1).